The following is an entry in ClinVar:

ClinVar aggregate classification (germline): Uncertain significance (1 of 4 stars; one submission).

Conditions:
Inborn genetic diseases. Identifiers: MedGen C0950123, MeSH D030342.

Allele frequency attached by ClinVar (database versions not stated): TOPMed below 0.00001; ExAC 0.00001; gnomAD exomes 0.00001.

Submission:

Ambry Genetics
Classification: Uncertain significance for Inborn genetic diseases. Last evaluated: 2016-12-19. Review status: criteria provided, single submitter. Criteria: Ambry Variant Classification Scheme 2023. Collection method: clinical testing. Allele origin: germline.
Comment: The p.T639N variant (also known as c.1916C>A), located in coding exon 6 of the NLGN3 gene, results from a C to A substitution at nucleotide position 1916. The threonine at codon 639 is replaced by asparagine, an amino acid with similar properties. This amino acid position is highly conserved in available vertebrate species. In addition, this alteration is predicted to be tolerated by in silico analysis. Since supporting evidence is limited at this time, the clinical significance of this alteration remains unclear.

NM_181303.2(NLGN3):c.1976C>A (p.Thr659Asn)

Gene: NLGN3 (neuroligin 3; plus strand). Cytogenetic location: Xq13.1.
Variant type: single nucleotide variant.
Coding change: c.1976C>A on transcript NM_181303.2 (MANE Select); coding-DNA position 1976, C replaced by A.
Protein change: p.Thr659Asn; replaces threonine 659 with asparagine.
Molecular consequence: missense variant.
Genome position (GRCh38, 1-based): chrX:71,169,526, C>A. VCF-style: chrX-71169526-C-A. GRCh37 (hg19) VCF-style: chrX-70389376-C-A.
Other names: c.1856C>A, p.Thr619Asn (NM_001166660.2); c.1565C>A, p.Thr522Asn (NM_001321276.2); c.1916C>A, p.Thr639Asn (NM_018977.4); short protein forms T639N, T522N, T619N, T659N.
Identifiers: ClinVar variation 589723 (VCV000589723.5), dbSNP rs751330179, ClinGen allele CA10445184.
Genomic context (GRCh38, chrX:71,169,526, plus strand): 5'-ACTATACGTCCACCACCACCAAAGTGCCGCCTCCGGATACCACCCACAGCTCCCACATCA[C>A]CCGCAGGCCCAATGGCAAGACCTGGAGCACCAAGCGGCCAGCCATCTCACCTGCCTACAG-3'
Protein context (NP_851820.1, residues 649-669): PPDTTHSSHI[Thr659Asn]RRPNGKTWST